The following is an entry in ClinVar:

NM_003072.5(SMARCA4):c.3480G>A (p.Gly1160=)

Gene: SMARCA4 (SWI/SNF related BAF chromatin remodeling complex subunit ATPase 4; plus strand). Cytogenetic location: 19p13.2.
Variant type: single nucleotide variant.
Coding change: c.3480G>A on transcript NM_003072.5 (MANE Select); coding-DNA position 3480, G replaced by A.
Protein change: p.Gly1160=; no amino-acid change (glycine 1160 retained).
Molecular consequence: synonymous variant. On other transcripts: non-coding transcript variant (1).
Genome position (GRCh38, 1-based): chr19:11,030,827, G>A. VCF-style: chr19-11030827-G-A. GRCh37 (hg19) VCF-style: chr19-11141503-G-A.
Other names: c.3480G>A, p.Gly1160= (NM_001128844.3, NM_001128845.2, NM_001128846.2 and 5 more transcripts).
Identifiers: ClinVar variation 537875 (VCV000537875.10), dbSNP rs1490308523, ClinGen allele CA505492240.

ClinVar aggregate classification (germline): Benign/Likely benign. Review status: criteria provided, multiple submitters, no conflicts (2 of 4 stars). 3 submissions from 3 submitters: Benign (1); Likely benign (2). Last evaluated 2026-07-14.

Conditions:
Hereditary cancer-predisposing syndrome. Also called: Tumor predisposition; Neoplastic Syndromes, Hereditary; Hereditary Cancer Syndrome; Hereditary neoplastic syndrome. Identifiers: Orphanet 140162, MedGen C0027672, MeSH D009386, MONDO:0015356.
Rhabdoid tumor predisposition syndrome 2 (RTPS2). Identifiers: Orphanet 231108, Orphanet 69077, MedGen C2750074, MONDO:0013224, OMIM 613325.

Submissions (3):

Myriad Genetics, Inc.
Classification: Benign for Rhabdoid tumor predisposition syndrome 2. Last evaluated: 2026-07-14. Review status: criteria provided, single submitter. Criteria: Myriad Autosomal Dominant, Autosomal Recessive and X-Linked Classification Criteria (2023). Collection method: clinical testing. Allele origin: unknown.
Comment: This variant is considered benign. This variant is a silent/synonymous amino acid change and it is not expected to impact splicing.

Labcorp Genetics (formerly Invitae), Labcorp
Classification: Likely benign for Rhabdoid tumor predisposition syndrome 2. Last evaluated: 2023-04-24. Review status: criteria provided, single submitter. Criteria: Invitae Variant Classification Sherloc (09022015). Collection method: clinical testing. Allele origin: germline.

Ambry Genetics
Classification: Likely benign for Hereditary cancer-predisposing syndrome. Last evaluated: 2023-01-29. Review status: criteria provided, single submitter. Criteria: Ambry Variant Classification Scheme 2023. Collection method: clinical testing. Allele origin: germline.